The following is an entry in ClinVar:

NM_020297.4(ABCC9):c.1928A>G (p.Asn643Ser)

Gene: ABCC9 (ATP binding cassette subfamily C member 9; minus strand). Cytogenetic location: 12p12.1.
Variant type: single nucleotide variant.
Coding change: c.1928A>G on transcript NM_020297.4 (MANE Select); coding-DNA position 1928, A replaced by G.
Protein change: p.Asn643Ser; replaces asparagine 643 with serine.
Molecular consequence: missense variant.
Genome position (GRCh38, 1-based): chr12:21,882,857, T>C on the plus strand (A>G on the coding strand, the complement: ABCC9 is on the minus strand). VCF-style: chr12-21882857-T-C. GRCh37 (hg19) VCF-style: chr12-22035791-T-C.
Other names: c.1928A>G, p.Asn643Ser (NM_001377273.1, NM_005691.4); c.1064A>G, p.Asn355Ser (NM_001377274.1); short protein forms N355S, N643S.
Identifiers: ClinVar variation 2696168 (VCV002696168.3), dbSNP rs2541426669, ClinGen allele CA384135213.

ClinVar aggregate classification (germline): Uncertain significance (1 of 4 stars; one submission).

Conditions:
Dilated cardiomyopathy 1O (CMD1O). Also called: CARDIOMYOPATHY, DILATED, WITH VENTRICULAR TACHYCARDIA. Identifiers: Orphanet 154, MedGen C1837839, MONDO:0012062, OMIM 608569.

Submission:

Labcorp Genetics (formerly Invitae), Labcorp
Classification: Uncertain significance for Dilated cardiomyopathy 1O. Last evaluated: 2023-11-15. Review status: criteria provided, single submitter. Criteria: Invitae Variant Classification Sherloc (09022015). Collection method: clinical testing. Allele origin: germline.
Comment: This sequence change replaces asparagine, which is neutral and polar, with serine, which is neutral and polar, at codon 643 of the ABCC9 protein (p.Asn643Ser). This variant is not present in population databases (gnomAD no frequency). This variant has not been reported in the literature in individuals affected with ABCC9-related conditions. Advanced modeling of protein sequence and biophysical properties (such as structural, functional, and spatial information, amino acid conservation, physicochemical variation, residue mobility, and thermodynamic stability) performed at Invitae indicates that this missense variant is expected to disrupt ABCC9 protein function with a positive predictive value of 95%. In summary, the available evidence is currently insufficient to determine the role of this variant in disease. Therefore, it has been classified as a Variant of Uncertain Significance.